The following is an entry in ClinVar:

ClinVar aggregate classification (germline): Benign/Likely benign. Review status: criteria provided, multiple submitters, no conflicts (2 of 4 stars). 12 submissions from 9 submitters: Benign (9); Likely benign (1). 2 of the submissions do not count toward it. Last evaluated 2026-02-02.

Conditions:
Autosomal recessive limb-girdle muscular dystrophy type 2J (LGMDR10). Also called: MUSCULAR DYSTROPHY, LIMB-GIRDLE, AUTOSOMAL RECESSIVE 10; Limb-girdle muscular dystrophy, type 2J. Identifiers: Orphanet 140922, MedGen C1837342, MONDO:0012127, OMIM 608807.
Dilated cardiomyopathy 1G (CMD1G). Identifiers: Orphanet 154, MedGen C1858763, MONDO:0011400, OMIM 604145.
Myopathy, myofibrillar, 9, with early respiratory failure (MFM9). Also called: EDSTROM MYOPATHY; Hereditary myopathy with early respiratory failure; MYOPATHY, PROXIMAL, WITH EARLY RESPIRATORY MUSCLE INVOLVEMENT; Myopathy, distal, with early respiratory failure, autosomal dominant. Identifiers: Orphanet 178464, Orphanet 34521, MedGen C1863599, MONDO:0011362, OMIM 603689.
Early-onset myopathy with fatal cardiomyopathy (CMYO5). Also called: CONGENITAL MYOPATHY 5 WITH CARDIOMYOPATHY; Salih Myopathy. Identifiers: Orphanet 289377, MedGen C2673677, MONDO:0012714, OMIM 611705. Disease mechanism: loss of function.
Tibial muscular dystrophy (TMD). Also called: Tibial muscular dystrophy, tardive; Udd Distal Myopathy – Tibial Muscular Dystrophy; UDD MYOPATHY. Identifiers: Orphanet 609, MedGen C1838244, MONDO:0010870, OMIM 600334.

Submissions (12):

Labcorp Genetics (formerly Invitae), Labcorp
Classification: Benign for Dilated cardiomyopathy 1G; Autosomal recessive limb-girdle muscular dystrophy type 2J. Last evaluated: 2026-02-02. Review status: criteria provided, single submitter. Criteria: Invitae Variant Classification Sherloc (09022015). Collection method: clinical testing. Allele origin: germline.

ARUP Laboratories, Molecular Genetics and Genomics, ARUP Laboratories
Classification: Benign. Last evaluated: 2025-05-20. Review status: criteria provided, single submitter. Criteria: ARUP Molecular Germline Variant Investigation Process 2024. Collection method: clinical testing. Allele origin: germline.

Blueprint Genetics
Classification: Likely benign. Last evaluated: 2024-10-14. Review status: criteria provided, single submitter. Criteria: ACMG Guidelines, 2015. Collection method: clinical testing. Allele origin: germline.

Genome-Nilou Lab
Classification: Benign for Autosomal recessive limb-girdle muscular dystrophy type 2J. Last evaluated: 2021-09-10. Review status: criteria provided, single submitter. Criteria: ACMG Guidelines, 2015. Collection method: clinical testing. Allele origin: germline. Affected: no.

Genome-Nilou Lab
Classification: Benign for Myopathy, myofibrillar, 9, with early respiratory failure. Last evaluated: 2021-09-10. Review status: criteria provided, single submitter. Criteria: ACMG Guidelines, 2015. Collection method: clinical testing. Allele origin: germline. Affected: no.

Genome-Nilou Lab
Classification: Benign for Early-onset myopathy with fatal cardiomyopathy. Last evaluated: 2021-09-10. Review status: criteria provided, single submitter. Criteria: ACMG Guidelines, 2015. Collection method: clinical testing. Allele origin: germline. Affected: no.

Genome-Nilou Lab
Classification: Benign for Tibial muscular dystrophy. Last evaluated: 2021-09-10. Review status: criteria provided, single submitter. Criteria: ACMG Guidelines, 2015. Collection method: clinical testing. Allele origin: germline. Affected: no.

Women's Health and Genetics/Laboratory Corporation of America, LabCorp
Classification: Benign. Last evaluated: 2020-01-13. Review status: criteria provided, single submitter. Criteria: LabCorp Variant Classification Summary - May 2015. Collection method: clinical testing. Allele origin: germline.
Comment: Variant summary: TTN c.9472-19delT alters a non-conserved nucleotide located close to a canonical splice site and therefore could affect mRNA splicing, leading to a significantly altered protein sequence. 4/4 computational tools predict no significant impact on normal splicing. However, these predictions have yet to be confirmed by functional studies. The variant allele was found at a frequency of 0.001 in 244338 control chromosomes, predominantly at a frequency of 0.0063 within the African or African-American subpopulation in the gnomAD database, including 1 homozygotes. The observed variant frequency within African or African-American control individuals in the gnomAD database is approximately 10 fold of the estimated maximal expected allele frequency for a pathogenic variant in TTN causing Cardiomyopathy phenotype (0.00063), strongly suggesting that the variant is a benign polymorphism found primarily in populations of African or African-American origin. To our knowledge, no occurrence of c.9472-19delT in individuals affected with Cardiomyopathy and no experimental evidence demonstrating its impact on protein function have been reported. No clinical diagnostic laboratories have submitted clinical-significance assessments for this variant to ClinVar after 2014. Based on the evidence outlined above, the variant was classified as benign.

GeneDx
Classification: Benign. Last evaluated: 2014-09-09. Review status: criteria provided, single submitter. Criteria: GeneDx Variant Classification (06012015). Collection method: clinical testing. Allele origin: germline. Affected: yes.
Comment: The variant is found in CARDIOMYOPATHY,DCM-CRDM panel(s).

PreventionGenetics, part of Exact Sciences
Classification: Benign. Review status: criteria provided, single submitter. Criteria: ACMG Guidelines, 2015. Collection method: clinical testing. Allele origin: germline.

Clinical Genetics, Academic Medical Center
Classification: Benign. Review status: no assertion criteria provided. Collection method: clinical testing. Allele origin: germline. Affected: yes. Study: VKGL Data-share Consensus. Not counted in ClinVar's aggregate classification.

Laboratory of Diagnostic Genome Analysis, Leiden University Medical Center (LUMC)
Classification: Likely benign. Review status: no assertion criteria provided. Collection method: clinical testing. Allele origin: germline. Affected: yes. Study: VKGL Data-share Consensus. Not counted in ClinVar's aggregate classification.

NM_001267550.2(TTN):c.9472-19del

Gene: TTN (titin; minus strand). Cytogenetic location: 2q31.2.
Variant type: Deletion.
Coding change: c.9472-19del on transcript NM_001267550.2 (MANE Select); 19 bases into the intron before coding-DNA position 9472, one base deleted (T; older notation c.9472-19delT).
Molecular consequence: intron variant.
Genome position (GRCh38, 1-based): chr2:178,766,631, A deleted on the plus strand (T on the coding strand, the reverse complement: TTN is on the minus strand); the first of 7 consecutive A bases (chr2:178,766,631-178,766,637); deleting any one gives the same sequence. VCF-style (leftmost placement, unchanged base first): chr2-178766630-TA-T. GRCh37 (hg19) VCF-style: chr2-179631357-TA-T.
Other names: c.9334-19del (NM_003319.4, NM_133437.4, NM_133432.3); c.9472-19del (NM_133378.4, NM_001256850.1, NM_133379.5); c.9472-19delT (NM_001256850.1, NM_133378.4).
Identifiers: ClinVar variation 202287 (VCV000202287.17), dbSNP rs201990196, ClinGen allele CA308983.